The following is an entry in ClinVar:

ClinVar aggregate classification (germline): Uncertain significance (1 of 4 stars; one submission).

Conditions:
Catecholaminergic polymorphic ventricular tachycardia 1. Also called: VENTRICULAR TACHYCARDIA, CATECHOLAMINERGIC POLYMORPHIC, 1, WITH OR WITHOUT ATRIAL DYSFUNCTION AND/OR DILATED CARDIOMYOPATHY; RYR2-Related Catecholaminergic Polymorphic Ventricular Tachycardia; VENTRICULAR TACHYCARDIA, STRESS-INDUCED POLYMORPHIC 1. Identifiers: Orphanet 3286, MedGen C1631597, MONDO:0011484, OMIM 604772.

Submission:

Labcorp Genetics (formerly Invitae), Labcorp
Classification: Uncertain significance for Catecholaminergic polymorphic ventricular tachycardia 1. Last evaluated: 2022-08-20. Review status: criteria provided, single submitter. Criteria: Invitae Variant Classification Sherloc (09022015). Collection method: clinical testing. Allele origin: germline.
Comment: This variant has not been reported in the literature in individuals affected with TRDN-related conditions. This variant results in a copy number gain of the genomic region encompassing exon(s) 21-24 of the TRDN gene. While the exact position of this variant cannot be determined from the data, sub-genic copy number gains are generally in tandem (PMID: 25640679). This variant is predicted to be in-frame, and likely preserves the integrity of the reading frame. Experimental studies and prediction algorithms are not available or were not evaluated, and the functional significance of this variant is currently unknown. In summary, the available evidence is currently insufficient to determine the role of this variant in disease. Therefore, it has been classified as a Variant of Uncertain Significance.

Literature cited by the submitters: PubMed 25640679.

NC_000006.11:g.(?_123637582)_(123673751_?)dup

Gene: TRDN (triadin; minus strand). Cytogenetic location: 6q22.31.
Variant type: Duplication.
Identifiers: ClinVar variation 2425499 (VCV002425499.4).